The following is an entry in ClinVar:

NM_001378609.3(OTOGL):c.3194A>G (p.Lys1065Arg)

Gene: OTOGL (otogelin like; plus strand). Cytogenetic location: 12q21.31.
Variant type: single nucleotide variant.
Coding change: c.3194A>G on transcript NM_001378609.3 (MANE Select); coding-DNA position 3194, A replaced by G.
Protein change: p.Lys1065Arg; replaces lysine 1065 with arginine.
Molecular consequence: missense variant.
Genome position (GRCh38, 1-based): chr12:80,302,764, A>G. VCF-style: chr12-80302764-A-G. GRCh37 (hg19) VCF-style: chr12-80696544-A-G.
Other names: c.3059A>G, p.Lys1020Arg (NM_001368062.3); c.3194A>G, p.Lys1065Arg (NM_001378610.3, NM_173591.7); short protein forms K1020R, K1065R.
Identifiers: ClinVar variation 1803312 (VCV001803312.1), dbSNP rs2541162353, ClinGen allele CA385860056.

ClinVar aggregate classification (germline): Uncertain significance (1 of 4 stars; one submission).

Submission:

GeneDx
Classification: Uncertain significance. Last evaluated: 2022-06-07. Review status: criteria provided, single submitter. Criteria: GeneDx Variant Classification Process June 2021. Collection method: clinical testing. Allele origin: germline. Affected: yes.
Comment: Not observed at significant frequency in large population cohorts (gnomAD); In silico analysis supports that this missense variant does not alter protein structure/function; Has not been previously published as pathogenic or benign to our knowledge